The following is an entry in ClinVar:

NM_183050.4(BCKDHB):c.840+1G>C

Gene: BCKDHB (branched chain keto acid dehydrogenase E1 subunit beta; plus strand). Cytogenetic location: 6q14.1.
Variant type: single nucleotide variant.
Coding change: c.840+1G>C on transcript NM_183050.4 (MANE Select); the canonical splice donor site of the intron after coding-DNA position 840, G replaced by C.
Molecular consequence: splice donor variant.
Genome position (GRCh38, 1-based): chr6:80,201,032, G>C. VCF-style: chr6-80201032-G-C. GRCh37 (hg19) VCF-style: chr6-80910749-G-C.
Other names: c.630+1G>C (NM_001318975.1, NM_001424043.1); c.840+1G>C (NM_001424037.1, NM_001424036.1, NM_001424035.1 and 7 more transcripts).
Identifiers: ClinVar variation 5004450 (VCV005004450.1).

ClinVar aggregate classification (germline): Likely pathogenic (1 of 4 stars; one submission).

Conditions:
Maple syrup urine disease type 1B (MSUD1B). Also called: MSUD type IB; MSUD type 3 (formerly); MSUD due to deficiency of e1-beta subunit of branched-chain alpha-keto acid dehydrogenase complex. Identifiers: MedGen C2930990, MONDO:0023692, OMIM 620698.

Submission:

Myriad Genetics, Inc.
Classification: Likely pathogenic for Maple syrup urine disease type 1B. Last evaluated: 2026-02-05. Review status: criteria provided, single submitter. Criteria: Myriad Autosomal Dominant, Autosomal Recessive and X-Linked Classification Criteria (2023). Collection method: clinical testing. Allele origin: unknown.
Comment: NM_183050.2(BCKDHB):c.840+1G>C is a variant in a canonical splice site classified as likely pathogenic in the context of maple syrup urine disease type Ib. c.840+1G>C has not been observed in cases with relevant disease. Relevant functional assessments of this variant are not available in the literature. c.840+1G>C has not been observed in referenced population frequency databases. In summary, NM_183050.2(BCKDHB):c.840+1G>C is a variant in a canonical splice site in a gene where loss of function is a known mechanism of disease and is predicted to disrupt protein function. Please note: this variant was assessed in the context of healthy population screening.